The following is an entry in ClinVar:

NM_001040716.2(PC):c.485C>T (p.Ala162Val)

Gene: PC (pyruvate carboxylase; minus strand). Cytogenetic location: 11q13.2.
Variant type: single nucleotide variant.
Coding change: c.485C>T on transcript NM_001040716.2 (MANE Select); coding-DNA position 485, C replaced by T.
Protein change: p.Ala162Val; replaces alanine 162 with valine.
Molecular consequence: missense variant.
Genome position (GRCh38, 1-based): chr11:66,871,317, G>A on the plus strand (C>T on the coding strand, the complement: PC is on the minus strand). VCF-style: chr11-66871317-G-A. GRCh37 (hg19) VCF-style: chr11-66638788-G-A.
Other names: c.485C>T, p.Ala162Val (NM_000920.4, NM_022172.3); short protein forms A162V.
Identifiers: ClinVar variation 664733 (VCV000664733.7), dbSNP rs752714051, ClinGen allele CA6132217.

ClinVar aggregate classification (germline): Uncertain significance (1 of 4 stars; one submission).

Conditions:
Pyruvate carboxylase deficiency. Also called: PC DEFICIENCY; ATAXIA WITH LACTIC ACIDOSIS II; LEIGH NECROTIZING ENCEPHALOPATHY DUE TO PYRUVATE CARBOXYLASE DEFICIENCY; LEIGH SYNDROME DUE TO PYRUVATE CARBOXYLASE DEFICIENCY; Pyruvate Carboxylase Deficiency Disease. Identifiers: Orphanet 3008, MedGen C0034341, MONDO:0009949, OMIM 266150.

Allele frequency attached by ClinVar (database versions not stated): gnomAD exomes below 0.00001 and 0.00001; ExAC 0.00001; TOPMed 0.00002.
gnomAD v4.1: 16 of 1,613,958 alleles (0.00099%); highest among the groups gnomAD compares: East Asian, 0.0022%; no homozygotes.

Submission:

Labcorp Genetics (formerly Invitae), Labcorp
Classification: Uncertain significance for Pyruvate carboxylase deficiency. Last evaluated: 2021-08-30. Review status: criteria provided, single submitter. Criteria: Invitae Variant Classification Sherloc (09022015). Collection method: clinical testing. Allele origin: germline.
Comment: This sequence change replaces alanine with valine at codon 162 of the PC protein (p.Ala162Val). The alanine residue is highly conserved and there is a small physicochemical difference between alanine and valine. This variant is present in population databases (rs752714051, ExAC 0.006%). This variant has not been reported in the literature in individuals affected with PC-related conditions. Algorithms developed to predict the effect of missense changes on protein structure and function are either unavailable or do not agree on the potential impact of this missense change (SIFT: "Deleterious"; PolyPhen-2: "Possibly Damaging"; Align-GVGD: "Class C0"). Algorithms developed to predict the effect of sequence changes on RNA splicing suggest that this variant may create or strengthen a splice site. In summary, the available evidence is currently insufficient to determine the role of this variant in disease. Therefore, it has been classified as a Variant of Uncertain Significance.